The following is an entry in ClinVar:

NM_170606.3(KMT2C):c.12872G>A (p.Cys4291Tyr)

Gene: KMT2C (lysine methyltransferase 2C; minus strand). Cytogenetic location: 7q36.1.
Variant type: single nucleotide variant.
Coding change: c.12872G>A on transcript NM_170606.3 (MANE Select); coding-DNA position 12872, G replaced by A.
Protein change: p.Cys4291Tyr; replaces cysteine 4291 with tyrosine.
Molecular consequence: missense variant.
Genome position (GRCh38, 1-based): chr7:152,149,055, C>T on the plus strand (G>A on the coding strand, the complement: KMT2C is on the minus strand). VCF-style: chr7-152149055-C-T. GRCh37 (hg19) VCF-style: chr7-151846140-C-T.
Other names: short protein forms C4291Y.
Identifiers: ClinVar variation 2502668 (VCV002502668.1), dbSNP rs2091389941, ClinGen allele CA370093886.

ClinVar aggregate classification (germline): Uncertain significance (1 of 4 stars; one submission).

Allele frequency attached by ClinVar (database versions not stated): TOPMed below 0.00001.

Submission:

GeneDx
Classification: Uncertain significance. Last evaluated: 2022-11-16. Review status: criteria provided, single submitter. Criteria: GeneDx Variant Classification Process June 2021. Collection method: clinical testing. Allele origin: germline. Affected: yes.
Comment: Not observed at significant frequency in large population cohorts (gnomAD); In silico analysis supports that this missense variant has a deleterious effect on protein structure/function; Has not been previously published as pathogenic or benign to our knowledge